The following is an entry in ClinVar:

NM_001371928.1(AHDC1):c.3628G>A (p.Glu1210Lys)

Gene: AHDC1 (AT-hook DNA binding motif containing 1; minus strand). Cytogenetic location: 1p36.11.
Variant type: single nucleotide variant.
Coding change: c.3628G>A on transcript NM_001371928.1 (MANE Select); coding-DNA position 3628, G replaced by A.
Protein change: p.Glu1210Lys; replaces glutamic acid 1210 with lysine.
Molecular consequence: missense variant.
Genome position (GRCh38, 1-based): chr1:27,548,488, C>T on the plus strand (G>A on the coding strand, the complement: AHDC1 is on the minus strand). VCF-style: chr1-27548488-C-T. GRCh37 (hg19) VCF-style: chr1-27874999-C-T.
Other names: c.3628G>A, p.Glu1210Lys (NM_001029882.3); c.-416G>A (NM_015699.1); short protein forms E1210K.
Identifiers: ClinVar variation 1704741 (VCV001704741.7), dbSNP rs1355731397, ClinGen allele CA339225715.

ClinVar aggregate classification (germline): Conflicting classifications of pathogenicity. Review status: criteria provided, conflicting classifications (1 of 4 stars). 2 submissions from 2 submitters: Uncertain significance (1); Likely benign (1). Last evaluated 2022-09-07.

gnomAD v4.1: 2 of 1,613,908 alleles (0.00012%); highest among the groups gnomAD compares: Non-Finnish European, 0.00017%; no homozygotes.

Submissions (2):

Labcorp Genetics (formerly Invitae), Labcorp
Classification: Likely benign. Last evaluated: 2022-09-07. Review status: criteria provided, single submitter. Criteria: Invitae Variant Classification Sherloc (09022015). Collection method: clinical testing. Allele origin: germline.

GeneDx
Classification: Uncertain significance. Last evaluated: 2022-03-10. Review status: criteria provided, single submitter. Criteria: GeneDx Variant Classification Process June 2021. Collection method: clinical testing. Allele origin: germline. Affected: yes.
Comment: In silico analysis supports that this missense variant does not alter protein structure/function; Has not been previously published as pathogenic or benign to our knowledge